The following is an entry in ClinVar:

ClinVar aggregate classification (germline): Uncertain significance. Review status: criteria provided, multiple submitters, no conflicts (2 of 4 stars). 2 submissions from 2 submitters: Uncertain significance (2). Last evaluated 2024-07-09.

Conditions:
Hereditary cancer-predisposing syndrome. Also called: Hereditary Cancer Syndrome; Tumor predisposition; Neoplastic Syndromes, Hereditary; Hereditary neoplastic syndrome. Identifiers: Orphanet 140162, MedGen C0027672, MeSH D009386, MONDO:0015356.
Hereditary diffuse gastric adenocarcinoma (HDGC). Also called: DIFFUSE GASTRIC AND LOBULAR BREAST CANCER SYNDROME. Identifiers: Orphanet 26106, MedGen C1708349, MONDO:0007648, OMIM 137215.

Allele frequency attached by ClinVar (database versions not stated): gnomAD 0.00001; TOPMed 0.00001.

Submissions (2):

Labcorp Genetics (formerly Invitae), Labcorp
Classification: Uncertain significance for Hereditary diffuse gastric adenocarcinoma. Last evaluated: 2024-07-09. Review status: criteria provided, single submitter. Criteria: Invitae Variant Classification Sherloc (09022015). Collection method: clinical testing. Allele origin: germline.
Comment: This sequence change replaces aspartic acid, which is acidic and polar, with asparagine, which is neutral and polar, at codon 528 of the CDH1 protein (p.Asp528Asn). This variant is not present in population databases (gnomAD no frequency). This variant has not been reported in the literature in individuals affected with CDH1-related conditions. An algorithm developed to predict the effect of missense changes on protein structure and function (PolyPhen-2) suggests that this variant is likely to be disruptive. In summary, the available evidence is currently insufficient to determine the role of this variant in disease. Therefore, it has been classified as a Variant of Uncertain Significance.

Ambry Genetics
Classification: Uncertain significance for Hereditary cancer-predisposing syndrome. Last evaluated: 2023-12-17. Review status: criteria provided, single submitter. Criteria: Ambry Variant Classification Scheme 2023. Collection method: clinical testing. Allele origin: germline.
Comment: The p.D528N variant (also known as c.1582G>A), located in coding exon 11 of the CDH1 gene, results from a G to A substitution at nucleotide position 1582. The aspartic acid at codon 528 is replaced by asparagine, an amino acid with highly similar properties. This amino acid position is conserved. In addition, this alteration is predicted to be tolerated by in silico analysis. Since supporting evidence is limited at this time, the clinical significance of this alteration remains unclear.

NM_004360.5(CDH1):c.1582G>A (p.Asp528Asn)

Gene: CDH1 (cadherin 1; plus strand). Cytogenetic location: 16q22.1.
Variant type: single nucleotide variant.
Coding change: c.1582G>A on transcript NM_004360.5 (MANE Select); coding-DNA position 1582, G replaced by A.
Protein change: p.Asp528Asn; replaces aspartic acid 528 with asparagine.
Molecular consequence: missense variant. On other transcripts: intron variant (1).
Genome position (GRCh38, 1-based): chr16:68,819,296, G>A. VCF-style: chr16-68819296-G-A. GRCh37 (hg19) VCF-style: chr16-68853199-G-A.
Other names: c.-254-2705G>A (NM_001317186.2); c.1399G>A, p.Asp467Asn (NM_001317184.2); c.34G>A, p.Asp12Asn (NM_001317185.2); short protein forms D12N, D467N, D528N.
Identifiers: ClinVar variation 3224151 (VCV003224151.3), dbSNP rs1204671808, ClinGen allele CA396464874.